The following is an entry in ClinVar:

ClinVar aggregate classification (germline): Pathogenic. Review status: criteria provided, multiple submitters, no conflicts (2 of 4 stars). 8 submissions from 8 submitters: Pathogenic (7). 1 of the submissions does not count toward it. Last evaluated 2026-04-20.

Conditions:
SPG11-related disorder. Also called: SPG11-related condition.
Hereditary spastic paraplegia 11. Also called: Nakamura Osame syndrome; Autosomal recessive hereditary spastic paraplegia, mental impairment, and thin corpus callosum; Spastic Paraplegia 11; Spastic paraplegia, mental retardation and thin corpus callosum; SPASTIC PARAPLEGIA, AUTOSOMAL RECESSIVE, COMPLICATED, WITH THIN CORPUS CALLOSUM; SPASTIC PARAPLEGIA, AUTOSOMAL RECESSIVE, WITH MENTAL IMPAIRMENT AND THIN CORPUS CALLOSUM. Identifiers: Orphanet 2822, MedGen C1858479, MONDO:0011445, OMIM 604360.

Allele frequency attached by ClinVar (database versions not stated): gnomAD exomes below 0.00001 and 0.00001; ExAC 0.00001; gnomAD 0.00001; TOPMed 0.00003.
gnomAD v4.1: 7 of 1,614,072 alleles (0.00043%); highest among the groups gnomAD compares: African/African-American, 0.0013%; no homozygotes.

Submissions (8):

PreventionGenetics, part of Exact Sciences
Classification: Pathogenic for SPG11-related condition. Last evaluated: 2026-04-20. Review status: criteria provided, single submitter. Criteria: ACMG Guidelines, 2015. Collection method: clinical testing. Allele origin: germline.
Comment: The SPG11 c.5470C>T variant is predicted to result in premature protein termination (p.Arg1824*). This variant has been reported in the compound heterozygous state in patients with autosomal recessive spastic paraplegia (Denora et al 2009. PubMed ID: 19105190; Lynch et al 2015. PubMed ID: 26374131; Vanderver et al. 2012. PubMed ID: 22749184). This variant is reported in 0.0018% of alleles in individuals of European (Non-Finnish) descent in gnomAD. Nonsense variants in SPG11 are expected to be pathogenic. This variant is interpreted as pathogenic.

GeneDx
Classification: Pathogenic. Last evaluated: 2026-01-08. Review status: criteria provided, single submitter. Criteria: GeneDx Variant Classification Process June 2021. Collection method: clinical testing. Allele origin: germline. Affected: yes.
Comment: Nonsense variant predicted to result in protein truncation or nonsense mediated decay in a gene for which loss of function is a known mechanism of disease; Not observed at significant frequency in large population cohorts (gnomAD); This variant is associated with the following publications: (PMID: 25525159, 22749184, 40225153, 26374131, 19105190)

Labcorp Genetics (formerly Invitae), Labcorp
Classification: Pathogenic for Hereditary spastic paraplegia 11. Last evaluated: 2025-07-03. Review status: criteria provided, single submitter. Criteria: Invitae Variant Classification Sherloc (09022015). Collection method: clinical testing. Allele origin: germline.
Comment: This sequence change creates a premature translational stop signal (p.Arg1824*) in the SPG11 gene. It is expected to result in an absent or disrupted protein product. Loss-of-function variants in SPG11 are known to be pathogenic (PMID: 19105190, 20110243, 22154821, 26556829). This variant is present in population databases (rs312262767, gnomAD 0.002%). This premature translational stop signal has been observed in individuals with hereditary spastic paraplegia (PMID: 19105190, 26374131). It has also been observed to segregate with disease in related individuals. ClinVar contains an entry for this variant (Variation ID: 41324). For these reasons, this variant has been classified as Pathogenic.

3billion
Classification: Pathogenic for SPG11-related disorder. Last evaluated: 2025-04-16. Review status: criteria provided, single submitter. Criteria: ACMG Guidelines, 2015. Collection method: clinical testing. Allele origin: germline. Affected: yes.
Comment: The variant is observed at an extremely low frequency in the gnomAD v4.1.0 dataset (total allele frequency: <0.001%). Predicted Consequence/Location: Stop-gained (nonsense): predicted to result in a loss or disruption of normal protein function through nonsense-mediated decay (NMD) or protein truncation. Multiple pathogenic variants are reported downstream of the variant. The variant has been reported at least twice as pathogenic with clinical assertions and evidence for the classification (ClinVar ID: VCV000041324 / PMID: 19105190). Therefore, this variant is classified as Pathogenic according to the recommendation of ACMG/AMP guideline.

Blueprint Genetics
Classification: Pathogenic for SPG11-related disorders. Last evaluated: 2023-09-05. Review status: criteria provided, single submitter. Criteria: ACMG Guidelines, 2015. Collection method: clinical testing. Allele origin: germline. Affected: yes. Observed: 3 variant alleles.

Eurofins Ntd Llc (ga)
Classification: Pathogenic. Last evaluated: 2018-01-07. Review status: criteria provided, single submitter. Criteria: EGL Classification Definitions 2015. Collection method: clinical testing. Allele origin: germline. Observed: 1 variant allele, 1 heterozygote.

Genome-Nilou Lab
Classification: Pathogenic for Hereditary spastic paraplegia 11. Review status: criteria provided, single submitter. Criteria: ACMG Guidelines, 2015. Collection method: clinical testing. Allele origin: germline.

GeneReviews
No classification provided. Condition: Hereditary spastic paraplegia 11. Review status: no classification provided. Collection method: literature only. Allele origin: unknown. Not counted in ClinVar's aggregate classification.

Literature cited by the submitters: PubMed 19105190 (cited by 4 submitters); PubMed 20110243 (cited by Labcorp Genetics (formerly Invitae), Labcorp); PubMed 22154821 (cited by Labcorp Genetics (formerly Invitae), Labcorp); PubMed 26556829 (cited by Labcorp Genetics (formerly Invitae), Labcorp); PubMed 26374131 (cited by Labcorp Genetics (formerly Invitae), Labcorp); PubMed 25525159 (cited by Eurofins Ntd Llc (ga)); PubMed 20301389 (cited by GeneReviews); NCBI Bookshelf NBK1210 (cited by GeneReviews).

NM_025137.4(SPG11):c.5470C>T (p.Arg1824Ter)

Gene: SPG11 (SPG11 vesicle trafficking associated, spatacsin; minus strand). Cytogenetic location: 15q21.1.
Variant type: single nucleotide variant.
Coding change: c.5470C>T on transcript NM_025137.4 (MANE Select); coding-DNA position 5470, C replaced by T.
Protein change: p.Arg1824Ter; replaces arginine 1824 with a stop codon.
Molecular consequence: nonsense.
Genome position (GRCh38, 1-based): chr15:44,584,210, G>A on the plus strand (C>T on the coding strand, the complement: SPG11 is on the minus strand). VCF-style: chr15-44584210-G-A. GRCh37 (hg19) VCF-style: chr15-44876408-G-A.
Other names: c.5470C>T, p.Arg1824Ter (NM_001160227.2); short protein forms R1824*.
Identifiers: ClinVar variation 41324 (VCV000041324.19), dbSNP rs312262767, ClinGen allele CA344354.
Genomic context (GRCh38, chr15:44,584,210, plus strand): 5'-AGAAGGAAAACTCACTGGCTAAACTATCAAAGGAAAGTTCACCACTAGTTGAGATCTGTC[G>A]AGAAAATCTGGGCTCTGTTTCCTCCTGATTTCTTCCAAGAGTGTGCTGGGTGATGCGGCA-3'